The following is an entry in ClinVar:

ClinVar aggregate classification (germline): Pathogenic. Review status: reviewed by expert panel (3 of 4 stars). 16 submissions from 16 submitters: Pathogenic (1). 15 of the submissions do not count toward it. Last evaluated 2016-09-08.

Conditions:
Hereditary cancer-predisposing syndrome. Also called: Neoplastic Syndromes, Hereditary; Hereditary neoplastic syndrome; Tumor predisposition; Hereditary Cancer Syndrome. Identifiers: Orphanet 140162, MedGen C0027672, MeSH D009386, MONDO:0015356.
Hereditary breast ovarian cancer syndrome. Also called: Hereditary breast and ovarian cancer; Hereditary breast and ovarian cancer syndrome (HBOC); Hereditary breast and ovarian cancer syndrome; Breast and ovarian cancer; Hereditary breast and/or ovarian cancer syndrome; BRCA1- and BRCA2-Associated Hereditary Breast and Ovarian Cancer. Identifiers: Orphanet 145, MedGen C0677776, MeSH D061325, MONDO:0003582. Disease mechanism: loss of function.
Breast-ovarian cancer, familial, susceptibility to, 2 (BROVCA2). Also called: BRCA2 Hereditary Breast and Ovarian Cancer. Identifiers: Orphanet 145, MedGen C2675520, MONDO:0012933, OMIM 612555. Disease mechanism: loss of function.
Familial cancer of breast. Also called: Hereditary breast cancer; BREAST CANCER, FAMILIAL; hereditary breast carcinoma. Identifiers: Orphanet 227535, MedGen C0346153, MONDO:0016419, OMIM 114480. Disease mechanism: loss of function.

Submissions (16):

Evidence-based Network for the Interpretation of Germline Mutant Alleles (ENIGMA)
Classification: Pathogenic for Breast-ovarian cancer, familial, susceptibility to, 2. Last evaluated: 2016-09-08. Review status: reviewed by expert panel. Criteria: ENIGMA BRCA1/2 Classification Criteria (2015). Collection method: curation. Allele origin: germline.
Comment: Variant allele predicted to encode a truncated non-functional protein.

GeneDx
Classification: Pathogenic. Last evaluated: 2026-08-19. Review status: criteria provided, single submitter. Criteria: GeneDx Variant Classification Process June 2021. Collection method: clinical testing. Allele origin: germline. Not counted in ClinVar's aggregate classification.
Comment: Observed in patients with personal or family history of BRCA2-related cancers (PMID: 9150154, 29164420); Not observed at significant frequency in large population cohorts (gnomAD); Truncating variants in this gene are considered pathogenic by a well-established clinical consortium and/or database; Also known as 9808_9809del and 9808delCC; Frameshift variant predicted to result in protein truncation or nonsense mediated decay in a gene for which loss of function is a known mechanism of disease; This variant is associated with the following publications: (PMID: 10570174, 9150154, 9699678, 11861370, 10615237, 33674644, 29446198, 29164420, 29922827, 30720243, 31723001, 37563628, 33471991)

Labcorp Genetics (formerly Invitae), Labcorp
Classification: Pathogenic for Hereditary breast ovarian cancer syndrome. Last evaluated: 2025-06-16. Review status: criteria provided, single submitter. Criteria: Invitae Variant Classification Sherloc (09022015). Collection method: clinical testing. Allele origin: germline. Not counted in ClinVar's aggregate classification.
Comment: This sequence change creates a premature translational stop signal (p.Pro3194Asnfs*2) in the BRCA2 gene. It is expected to result in an absent or disrupted protein product. Loss-of-function variants in BRCA2 are known to be pathogenic (PMID: 20104584). This variant is present in population databases (rs765456206, gnomAD 0.0009%). This variant has not been reported in the literature in individuals affected with BRCA2-related conditions. This variant is also known as 9808delCC. ClinVar contains an entry for this variant (Variation ID: 38249). For these reasons, this variant has been classified as Pathogenic.

Center for Genomic Medicine, Rigshospitalet, Copenhagen University Hospital
Classification: Pathogenic. Last evaluated: 2025-03-04. Review status: criteria provided, single submitter. Criteria: ACMG Guidelines, 2015. Collection method: clinical testing. Allele origin: germline. Not counted in ClinVar's aggregate classification.

Clinical Genetics Laboratory, Skane University Hospital Lund
Classification: Pathogenic. Last evaluated: 2023-11-15. Review status: criteria provided, single submitter. Criteria: ACMG Guidelines, 2015. Collection method: clinical testing. Allele origin: germline. Affected: yes. Not counted in ClinVar's aggregate classification.

Ambry Genetics
Classification: Pathogenic for Hereditary cancer-predisposing syndrome. Last evaluated: 2023-10-26. Review status: criteria provided, single submitter. Criteria: Ambry Variant Classification Scheme 2023. Collection method: clinical testing. Allele origin: germline. Not counted in ClinVar's aggregate classification.
Comment: The c.9580_9581delCC pathogenic mutation, located in coding exon 25 of the BRCA2 gene, results from a deletion of two nucleotides at nucleotide positions 9580 to 9581, causing a translational frameshift with a predicted alternate stop codon (p.P3194Nfs*2). This mutation (designated as 9808delCC) was reported in a Scandinavian breast and ovarian cancer family (H&aring;kansson S et al. Am. J. Hum. Genet., 1997 May;60:1068-78). This mutation has also been identified in a large, worldwide study of BRCA1/2 mutation positive families (Rebbeck TR et al. Hum. Mutat., 2018 05;39:593-620). In addition to the clinical data presented in the literature, this alteration is expected to result in loss of function by premature protein truncation or nonsense-mediated mRNA decay. As such, this alteration is interpreted as a disease-causing mutation.

Baylor Genetics
Classification: Pathogenic for Familial cancer of breast. Last evaluated: 2023-10-05. Review status: criteria provided, single submitter. Criteria: ACMG Guidelines, 2015. Collection method: clinical testing. Allele origin: unknown. Not counted in ClinVar's aggregate classification.

Quest Diagnostics Nichols Institute San Juan Capistrano
Classification: Pathogenic. Last evaluated: 2023-04-28. Review status: criteria provided, single submitter. Criteria: Quest Diagnostics criteria. Collection method: clinical testing. Allele origin: unknown. Not counted in ClinVar's aggregate classification.
Comment: This frameshift variant alters the translational reading frame of the BRCA2 mRNA and causes the premature termination of BRCA2 protein synthesis. The frequency of this variant in the general population, 0.000004 (1/251424 chromosomes), is consistent with pathogenicity. In the published literature, the variant has been reported in individuals with breast cancer (PMID: 9150154 (1997), 29164420 (2018), 32939053 (2021)). Based on the available information, this variant is classified as pathogenic.

Women's Health and Genetics/Laboratory Corporation of America, LabCorp
Classification: Pathogenic for Hereditary breast ovarian cancer syndrome. Last evaluated: 2022-05-31. Review status: criteria provided, single submitter. Criteria: LabCorp Variant Classification Summary - May 2015. Collection method: clinical testing. Allele origin: germline. Not counted in ClinVar's aggregate classification.
Comment: Variant summary: BRCA2 c.9580_9581delCC (p.Pro3194AsnfsX2) results in a premature termination codon, predicted to cause a truncation in exon 26 of the encoded protein or absence of the protein due to nonsense mediated decay, which are commonly known mechanisms for disease. Truncations downstream of this position have been classified as pathogenic by our laboratory. The variant allele was found at a frequency of 4e-06 in 251424 control chromosomes. c.9580_9581delCC has been reported in the literature in individuals with a personal and/or family history of breast/ovarian cancer (example Hakansson_1997, Nilsson_2018, Olafsdottir_2020). Truncations of the exon 27 COOH-terminal domain of Brca2 have been found to negatively impact the repair of double-strand DNA breaks in mouse cells and mice with a homozygous germline deletion of Brca2 exon 27 are highly suseptible to developing a wide spectrum of solid tumors, suggesting the variant has an affect protein function (Morimatsu_1998, McAllister_2002). Five clinical diagnostic laboratories and an expert panel have submitted clinical-significance assessments for this variant to ClinVar after 2014 without evidence for independent evaluation. All classified the variant as pathogenic. Based on the evidence outlined above, the variant was classified as pathogenic.

Laboratory for Molecular Medicine, Mass General Brigham Personalized Medicine
Classification: Pathogenic for Hereditary breast ovarian cancer syndrome. Last evaluated: 2020-06-19. Review status: criteria provided, single submitter. Criteria: ACMG Guidelines, 2015. Collection method: clinical testing. Allele origin: germline. Not counted in ClinVar's aggregate classification.
Comment: The p.Pro3194AsnfsX2 variant in BRCA2 was reported in the literature in 2 individuals with breast cancer (Hakansson 1997 PubMed: 9150154). This vairant has been identified in 0.0009% (1/113708) of European chromosomes by gnomAD; however, this frequency is low enough to be consistent with the frequency of hereditary breast and ovarian cancer (HBOC) in the general population. This variant is predicted to cause a frameshift, which alters the protein’s amino acid sequence beginning at position 3194 and leads to a premature termination codon 2 amino acids downstream. This alteration is then predicted to lead to a truncated or absent protein. Loss of function of the BRCA2 gene is an established disease mechanism in autosomal dominant HBOC. Additionally, this variant was classified as pathogenic on September 8, 2016 by the ClinGen-approved ENIGMA expert panel (ClinVar SCV000301404.2). In summary, this variant meets criteria to be classified as pathogenic for autosomal dominant HBOC. ACMG/AMP Criteria applied: PVS1, PM2, PS4_Supporting.

Color Diagnostics, LLC DBA Color Health
Classification: Pathogenic for Hereditary cancer-predisposing syndrome. Last evaluated: 2020-01-15. Review status: criteria provided, single submitter. Criteria: ACMG Guidelines, 2015. Collection method: clinical testing. Allele origin: germline. Not counted in ClinVar's aggregate classification.
Comment: This variant deletes 2 nucleotides in exon 26 of the BRCA2 gene, creating a frameshift and premature translation stop signal. This variant is expected to result in an absent or non-functional protein product. This variant has been identified in 1/251424 chromosomes in the general population by the Genome Aggregation Database (gnomAD). Loss of BRCA2 function is a known mechanism of disease. Based on the available evidence, this variant is classified as Pathogenic.

Consortium of Investigators of Modifiers of BRCA1/2 (CIMBA), c/o University of Cambridge
Classification: Pathogenic for Breast-ovarian cancer, familial, susceptibility to, 2. Last evaluated: 2015-10-02. Review status: criteria provided, single submitter. Criteria: CIMBA Mutation Classification guidelines May 2016. Collection method: clinical testing. Allele origin: germline. Not counted in ClinVar's aggregate classification.

Clinical Genetics and Genomics, Karolinska University Hospital
Classification: Pathogenic. Last evaluated: 2014-07-01. Review status: criteria provided, single submitter. Criteria: ACMG Guidelines, 2015. Collection method: clinical testing. Allele origin: germline. Affected: yes. Observed: 3 variant alleles. Not counted in ClinVar's aggregate classification.

BRCAlab, Lund University
Classification: Pathogenic for Breast-ovarian cancer, familial, susceptibility to, 2. Last evaluated: 2022-08-26. Review status: no assertion criteria provided. Collection method: clinical testing. Allele origin: germline. Affected: yes. Not counted in ClinVar's aggregate classification.

Sharing Clinical Reports Project (SCRP)
Classification: Pathogenic for Breast-ovarian cancer, familial 2. Last evaluated: 2007-06-20. Review status: no assertion criteria provided. Collection method: clinical testing. Allele origin: germline. Not counted in ClinVar's aggregate classification.

Breast Cancer Information Core (BIC) (BRCA2)
Classification: Pathogenic for Breast-ovarian cancer, familial 2. Last evaluated: 1999-06-21. Review status: no assertion criteria provided. Collection method: clinical testing. Allele origin: germline. Affected: yes. Observed: 1 variant allele. Not counted in ClinVar's aggregate classification.

Literature cited by the submitters: PubMed 20104584 (cited by Labcorp Genetics (formerly Invitae), Labcorp); PubMed 29164420 (cited by 4 submitters); PubMed 29446198 (cited by Ambry Genetics and Quest Diagnostics Nichols Institute San Juan Capistrano); PubMed 9150154 (cited by 4 submitters); PubMed 33471991 (cited by Quest Diagnostics Nichols Institute San Juan Capistrano); PubMed 32939053 (cited by Quest Diagnostics Nichols Institute San Juan Capistrano and Women's Health and Genetics/Laboratory Corporation of America, LabCorp); PubMed 33674644 (cited by Quest Diagnostics Nichols Institute San Juan Capistrano); PubMed 11861370 (cited by Women's Health and Genetics/Laboratory Corporation of America, LabCorp); PubMed 9699678 (cited by Women's Health and Genetics/Laboratory Corporation of America, LabCorp); PubMed 30720243 (cited by Laboratory for Molecular Medicine, Mass General Brigham Personalized Medicine).

NM_000059.4(BRCA2):c.9580_9581del (p.Pro3194fs)

Gene: BRCA2 (BRCA2 DNA repair associated; plus strand). Cytogenetic location: 13q13.1.
Variant type: Deletion.
Coding change: c.9580_9581del on transcript NM_000059.4 (MANE Select); coding-DNA positions 9580 to 9581, 2 bases deleted (CC; older notation c.9580_9581delCC).
Protein change: p.Pro3194fs; shifts the reading frame from proline 3194.
Molecular consequence: frameshift variant.
Genome position (GRCh38, 1-based): chr13:32,396,976-32,396,977, CC deleted; deleting any 2 consecutive bases within chr13:32,396,974-32,396,977 gives the same sequence; the c. name uses the placement nearest the transcript's 3' end. VCF-style (leftmost placement, unchanged base first): chr13-32396973-ACC-A. GRCh37 (hg19) VCF-style: chr13-32971110-ACC-A.
Other names: 9808delCC; c.9580_9581delCC (NM_000059.3).
Identifiers: ClinVar variation 38249 (VCV000038249.49), dbSNP rs80359771, ClinGen allele CA026220.